The following is an entry in ClinVar:

ClinVar aggregate classification (germline): Pathogenic. Review status: criteria provided, multiple submitters, no conflicts (2 of 4 stars). 6 submissions from 6 submitters: Pathogenic (6). Last evaluated 2025-09-08.

Conditions:
NR3C2-related disorder. Also called: NR3C2-related disorders; NR3C2-related condition.
Inborn genetic diseases. Identifiers: MedGen C0950123, MeSH D030342.
Autosomal dominant pseudohypoaldosteronism type 1. Also called: Pseudohypoaldosteronism, Type I, Dominant; Pseudohypoaldosteronism, Type I, Autosomal Dominant; PHA I, AUTOSOMAL DOMINANT. Identifiers: Orphanet 171871, Orphanet 756, MedGen C1449842, MONDO:0008329, OMIM 177735.
Pseudohyperaldosteronism type 2. Identifiers: Orphanet 88660, MedGen C1854631, MONDO:0011517, OMIM 605115.

Allele frequency attached by ClinVar (database versions not stated): gnomAD exomes below 0.00001.
gnomAD v4.1: 1 of 1,612,422 alleles (0.000062%); highest among the groups gnomAD compares: Non-Finnish European, 0.000085%; no homozygotes.

Submissions (6):

GeneDx
Classification: Pathogenic. Last evaluated: 2025-09-08. Review status: criteria provided, single submitter. Criteria: GeneDx Variant Classification Process June 2021. Collection method: clinical testing. Allele origin: germline. Affected: yes.
Comment: Nonsense variant predicted to result in protein truncation or nonsense mediated decay in a gene for which loss of function is a known mechanism of disease; Not observed at significant frequency in large population cohorts (gnomAD); This variant is associated with the following publications: (PMID: 22463955, 28348114, 23197115, 33057194, 35325889, 35982159, 36939041, 37596163, 23852419, 40115459)

Ambry Genetics
Classification: Pathogenic for Inborn genetic diseases. Last evaluated: 2025-06-27. Review status: criteria provided, single submitter. Criteria: Ambry Variant Classification Scheme 2023. Collection method: clinical testing. Allele origin: germline.
Comment: The c.1951C>T (p.R651*) alteration, located in exon 4 (coding exon 3) of the NR3C2 gene, consists of a C to T substitution at nucleotide position 1951. This changes the amino acid from a arginine (R) to a stop codon at amino acid position 651. This alteration is expected to result in loss of function by premature protein truncation or nonsense-mediated mRNA decay. This variant was not reported in population-based cohorts in the Genome Aggregation Database (gnomAD). This variant was reported in individuals with features consistent with Pseudohypoaldosteronism type 1A (Hatta, 2013; Petrikin, 2018; Meng, 2023). Based on the available evidence, this alteration is classified as pathogenic.

Labcorp Genetics (formerly Invitae), Labcorp
Classification: Pathogenic. Last evaluated: 2024-11-18. Review status: criteria provided, single submitter. Criteria: Invitae Variant Classification Sherloc (09022015). Collection method: clinical testing. Allele origin: germline.
Comment: This sequence change creates a premature translational stop signal (p.Arg651*) in the NR3C2 gene. It is expected to result in an absent or disrupted protein product. Loss-of-function variants in NR3C2 are known to be pathogenic (PMID: 9662404, 16611713, 16972228). This variant is not present in population databases (gnomAD no frequency). This premature translational stop signal has been observed in individual(s) with pseudohypoaldosteronism type 1 (PMID: 22463955, 36939041). ClinVar contains an entry for this variant (Variation ID: 430357). For these reasons, this variant has been classified as Pathogenic.

PreventionGenetics, part of Exact Sciences
Classification: Pathogenic for NR3C2-related condition. Last evaluated: 2022-09-29. Review status: criteria provided, single submitter. Criteria: ACMG Guidelines, 2015. Collection method: clinical testing. Allele origin: germline.
Comment: The NR3C2 c.1951C>T variant is predicted to result in premature protein termination (p.Arg651*). This variant was reported to segregate in a family with autosomal dominant pseudohypoaldosteronism 1 (Derache et al. 2012. PubMed ID: 22463955). This variant has not been reported in a large population database, indicating this variant is rare. Nonsense variants in NR3C2 are expected to be pathogenic. This variant is interpreted as pathogenic.

Fulgent Genetics
Classification: Pathogenic for Autosomal dominant pseudohypoaldosteronism type 1; Pseudohyperaldosteronism type 2. Last evaluated: 2021-06-30. Review status: criteria provided, single submitter. Criteria: ACMG Guidelines, 2015. Collection method: clinical testing. Allele origin: unknown.
Comment: This variant has been detected in individual(s) who were sent for testing of Renasight - kidney gene panel.

Baylor Genetics
Classification: Pathogenic for Autosomal dominant pseudohypoaldosteronism type 1. Last evaluated: 2019-01-14. Review status: criteria provided, single submitter. Criteria: ACMG Guidelines, 2015. Collection method: clinical testing. Allele origin: maternal. Affected: yes.
Comment: This variant was determined to be pathogenic according to ACMG Guidelines, 2015 [PMID:25741868]. This variant has been previously reported as disease causing [PMID 22463955]

Literature cited by the submitters: PubMed 23197115 (cited by Ambry Genetics); PubMed 29449963 (cited by Ambry Genetics); PubMed 36939041 (cited by Ambry Genetics and Labcorp Genetics (formerly Invitae), Labcorp); PubMed 9662404 (cited by Labcorp Genetics (formerly Invitae), Labcorp); PubMed 16611713 (cited by Labcorp Genetics (formerly Invitae), Labcorp); PubMed 16972228 (cited by Labcorp Genetics (formerly Invitae), Labcorp); PubMed 22463955 (cited by Labcorp Genetics (formerly Invitae), Labcorp and Baylor Genetics).

NM_000901.5(NR3C2):c.1951C>T (p.Arg651Ter)

Gene: NR3C2 (nuclear receptor subfamily 3 group C member 2; minus strand). Cytogenetic location: 4q31.23.
Variant type: single nucleotide variant.
Coding change: c.1951C>T on transcript NM_000901.5 (MANE Select); coding-DNA position 1951, C replaced by T.
Protein change: p.Arg651Ter; replaces arginine 651 with a stop codon.
Molecular consequence: nonsense. On other transcripts: non-coding transcript variant (1).
Genome position (GRCh38, 1-based): chr4:148,194,809, G>A on the plus strand (C>T on the coding strand, the complement: NR3C2 is on the minus strand). VCF-style: chr4-148194809-G-A. GRCh37 (hg19) VCF-style: chr4-149115960-G-A.
Other names: c.1951C>T, p.Arg651Ter (NM_001166104.2, NM_001354819.1); short protein forms R651*.
Identifiers: ClinVar variation 430357 (VCV000430357.12), dbSNP rs1131691921, ClinGen allele CA358428661.